The following is an entry in ClinVar:

NM_001378024.1(ARHGAP32):c.168A>G (p.Leu56=)

Gene: ARHGAP32 (Rho GTPase activating protein 32; minus strand). Cytogenetic location: 11q24.3.
Variant type: single nucleotide variant.
Coding change: c.168A>G on transcript NM_001378024.1 (MANE Select); coding-DNA position 168, A replaced by G.
Protein change: p.Leu56=; no amino-acid change (leucine 56 retained).
Molecular consequence: synonymous variant.
Genome position (GRCh38, 1-based): chr11:129,164,376, T>C on the plus strand (A>G on the coding strand, the complement: ARHGAP32 is on the minus strand). VCF-style: chr11-129164376-T-C. GRCh37 (hg19) VCF-style: chr11-129034271-T-C.
Other names: c.48A>G, p.Leu16= (NM_001378025.1); c.168A>G, p.Leu56= (NM_001142685.2).
Identifiers: ClinVar variation 709158 (VCV000709158.5), dbSNP rs201492949, ClinGen allele CA6359501.
Genomic context (GRCh38, chr11:129,164,376, plus strand): 5'-TACCATTGCGCTAAGAGTTTCTTCCCAATCAGGCCGCTCTCGAGGGTGTACATTTCTATG[T>C]AGCTCTGGAACAAAATCATCTTCTTCAGAATGTACTGAGGACTTCATCTTCCTAGAGATC-3'
Protein context (NP_001364953.1, residues 46-66): HSEEDDFVPE[Leu56=]HRNVHPRERP

ClinVar aggregate classification (germline): Benign. Review status: criteria provided, single submitter (1 of 4 stars). 2 submissions from 2 submitters: Benign (1). 1 of the submissions does not count toward it. Last evaluated 2018-06-23.

Conditions:
ARHGAP32-related disorder. Also called: ARHGAP32-related condition.

Allele frequency attached by ClinVar (database versions not stated): TOPMed 0.00082; gnomAD 0.00111; 1000 Genomes Project 30x 0.00219; 1000 Genomes Project 0.00240; ExAC 0.00415; ESP Exome Variant Server 0.00078.
gnomAD v4.1: 2,561 of 1,583,056 alleles (0.16%); highest among the groups gnomAD compares: South Asian, 0.81%; 17 homozygotes.

Submissions (2):

Labcorp Genetics (formerly Invitae), Labcorp
Classification: Benign. Last evaluated: 2018-06-23. Review status: criteria provided, single submitter. Criteria: Invitae Variant Classification Sherloc (09022015). Collection method: clinical testing. Allele origin: germline.

PreventionGenetics, part of Exact Sciences
Classification: Benign for ARHGAP32-related condition. Last evaluated: 2019-06-11. Review status: no assertion criteria provided. Collection method: clinical testing. Allele origin: germline. Not counted in ClinVar's aggregate classification.
Comment: This variant is classified as benign based on ACMG/AMP sequence variant interpretation guidelines (Richards et al. 2015 PMID: 25741868, with internal and published modifications).